The following is an entry in ClinVar:

NM_006766.5(KAT6A):c.2483C>G (p.Ser828Ter)

Gene: KAT6A (lysine acetyltransferase 6A; minus strand). Cytogenetic location: 8p11.21.
Variant type: single nucleotide variant.
Coding change: c.2483C>G on transcript NM_006766.5 (MANE Select); coding-DNA position 2483, C replaced by G.
Protein change: p.Ser828Ter; replaces serine 828 with a stop codon.
Molecular consequence: nonsense.
Genome position (GRCh38, 1-based): chr8:41,941,398, G>C on the plus strand (C>G on the coding strand, the complement: KAT6A is on the minus strand). VCF-style: chr8-41941398-G-C. GRCh37 (hg19) VCF-style: chr8-41798916-G-C.
Other names: short protein forms S828*.
Identifiers: ClinVar variation 4727204 (VCV004727204.1).

ClinVar aggregate classification (germline): Pathogenic (1 of 4 stars; one submission).

Submission:

Labcorp Genetics (formerly Invitae), Labcorp
Classification: Pathogenic. Last evaluated: 2025-09-15. Review status: criteria provided, single submitter. Criteria: Invitae Variant Classification Sherloc (09022015). Collection method: clinical testing. Allele origin: germline.
Comment: This sequence change creates a premature translational stop signal (p.Ser828*) in the KAT6A gene. It is expected to result in an absent or disrupted protein product. Loss-of-function variants in KAT6A are known to be pathogenic (PMID: 25728775, 25728777, 27133397). This variant is not present in population databases (gnomAD no frequency). This variant has not been reported in the literature in individuals affected with KAT6A-related conditions. For these reasons, this variant has been classified as Pathogenic.

Literature cited by the submitters: PubMed 25728775; PubMed 25728777; PubMed 27133397.